The following is an entry in ClinVar:

NM_003051.4(SLC16A1):c.1303A>T (p.Ile435Phe)

Gene: SLC16A1 (solute carrier family 16 member 1; minus strand). Cytogenetic location: 1p13.2.
Variant type: single nucleotide variant.
Coding change: c.1303A>T on transcript NM_003051.4 (MANE Select); coding-DNA position 1303, A replaced by T.
Protein change: p.Ile435Phe; replaces isoleucine 435 with phenylalanine.
Molecular consequence: missense variant.
Genome position (GRCh38, 1-based): chr1:112,914,091, T>A on the plus strand (A>T on the coding strand, the complement: SLC16A1 is on the minus strand). VCF-style: chr1-112914091-T-A. GRCh37 (hg19) VCF-style: chr1-113456713-T-A.
Other names: c.1303A>T, p.Ile435Phe (NM_001166496.2); short protein forms I435F.
Identifiers: ClinVar variation 1952740 (VCV001952740.5), dbSNP rs750932034, ClinGen allele CA1011267.

ClinVar aggregate classification (germline): Uncertain significance (1 of 4 stars; one submission).

Allele frequency attached by ClinVar (database versions not stated): ExAC 0.00001; gnomAD exomes 0.00002.
gnomAD v4.1: 9 of 1,614,230 alleles (0.00056%); highest among the groups gnomAD compares: Non-Finnish European, 0.00017%; no homozygotes.

Submission:

Labcorp Genetics (formerly Invitae), Labcorp
Classification: Uncertain significance. Last evaluated: 2022-07-18. Review status: criteria provided, single submitter. Criteria: Invitae Variant Classification Sherloc (09022015). Collection method: clinical testing. Allele origin: germline.
Comment: This variant is present in population databases (rs750932034, gnomAD 0.008%). In summary, the available evidence is currently insufficient to determine the role of this variant in disease. Therefore, it has been classified as a Variant of Uncertain Significance. Algorithms developed to predict the effect of missense changes on protein structure and function are either unavailable or do not agree on the potential impact of this missense change (SIFT: "Deleterious"; PolyPhen-2: "Possibly Damaging"; Align-GVGD: "Class C0"). This variant has not been reported in the literature in individuals affected with SLC16A1-related conditions. This sequence change replaces isoleucine, which is neutral and non-polar, with phenylalanine, which is neutral and non-polar, at codon 435 of the SLC16A1 protein (p.Ile435Phe).